The following is an entry in ClinVar:

ClinVar aggregate classification (germline): Pathogenic (1 of 4 stars; one submission).

Conditions:
Kleefstra-like syndrome.

Submission:

Research Unit for Rare Diseases, 1st Faculty of Medicine, Charles University in Prague
Classification: Pathogenic for Kleefstra-like syndrome. Last evaluated: 2025-07-07. Review status: criteria provided, single submitter. Criteria: ACMG Guidelines, 2015. Collection method: clinical testing. Allele origin: de novo. Inheritance: Autosomal dominant inheritance. Affected: yes.
Comment: De-novo variant not present in the databases, episignature profile overlaping with Kleefstra syndrome and clustering together with other EHMT2 pathogenic variants, histone modification and transcriptome analyses resembling Kleefstra syndrome, structural and biochemical analyses showing loss of enzymatic activity, mouse model recapitulating some major features of patients` phenotype

NM_006709.5(EHMT2):c.3472T>C (p.Phe1158Leu)

Genes: EHMT2 (euchromatic histone lysine methyltransferase 2; minus strand), EHMT2-AS1 (EHMT2 and SLC44A4 antisense RNA 1; plus strand). Cytogenetic location: 6p21.33.
Variant type: single nucleotide variant.
Coding change: c.3472T>C on transcript NM_006709.5 (MANE Select); coding-DNA position 3472, T replaced by C.
Protein change: p.Phe1158Leu; replaces phenylalanine 1158 with leucine.
Molecular consequence: missense variant. On other transcripts: non-coding transcript variant (1).
Genome position (GRCh38, 1-based): chr6:31,880,245, A>G on the plus strand (T>C on the coding strand, the complement: EHMT2 is on the minus strand). VCF-style: chr6-31880245-A-G. GRCh37 (hg19) VCF-style: chr6-31848022-A-G.
Other names: c.3541T>C, p.Phe1181Leu (NM_001289413.2); c.2866T>C, p.Phe956Leu (NM_001318833.2); c.3643T>C, p.Phe1215Leu (NM_001363689.2); c.3493T>C, p.Phe1165Leu (NM_001395160.1); c.3409T>C, p.Phe1137Leu (NM_001395161.1); c.3394T>C, p.Phe1132Leu (NM_001395162.1); c.3391T>C, p.Phe1131Leu (NM_001395163.1); c.3367T>C, p.Phe1123Leu (NM_001395164.1); and 2 more; short protein forms F1072L, F1123L, F1124L, F1131L, F1132L, F1137L, F1158L, F1165L.
Identifiers: ClinVar variation 4057267 (VCV004057267.1).